The following is an entry in ClinVar:

ClinVar aggregate classification (germline): Uncertain significance. Review status: criteria provided, multiple submitters, no conflicts (2 of 4 stars). 3 submissions from 3 submitters: Uncertain significance (3). Last evaluated 2025-12-24.

Allele frequency attached by ClinVar (database versions not stated): TOPMed 0.00005; gnomAD 0.00004 and 0.00003; gnomAD exomes 0.00008; ExAC 0.00007; ESP Exome Variant Server 0.00008.
gnomAD v4.1: 59 of 1,613,828 alleles (0.0037%); highest among the groups gnomAD compares: Admixed American, 0.022%; no homozygotes.

Submissions (3):

Labcorp Genetics (formerly Invitae), Labcorp
Classification: Uncertain significance. Last evaluated: 2025-12-24. Review status: criteria provided, single submitter. Criteria: Invitae Variant Classification Sherloc (09022015). Collection method: clinical testing. Allele origin: germline.
Comment: This sequence change replaces methionine, which is neutral and non-polar, with lysine, which is basic and polar, at codon 389 of the SLC24A1 protein (p.Met389Lys). This variant is present in population databases (rs368902751, gnomAD 0.1%). This missense change has been observed in individual(s) with retinal disease (PMID: 12037007). ClinVar contains an entry for this variant (Variation ID: 941652). An algorithm developed to predict the effect of missense changes on protein structure and function (PolyPhen-2) suggests that this variant is likely to be tolerated. In summary, the available evidence is currently insufficient to determine the role of this variant in disease. Therefore, it has been classified as a Variant of Uncertain Significance.

Blueprint Genetics
Classification: Uncertain significance. Last evaluated: 2024-08-29. Review status: criteria provided, single submitter. Criteria: ACMG Guidelines, 2015. Collection method: clinical testing. Allele origin: germline.

Breakthrough Genomics
Classification: Uncertain significance. Review status: criteria provided, single submitter. Criteria: ACMG Guidelines, 2015. Collection method: not provided. Allele origin: germline. Inheritance: Autosomal recessive inheritance. Affected: yes.

Literature cited by the submitters: PubMed 12037007 (cited by Labcorp Genetics (formerly Invitae), Labcorp).

NM_004727.3(SLC24A1):c.1166T>A (p.Met389Lys)

Gene: SLC24A1 (solute carrier family 24 member 1; plus strand). Cytogenetic location: 15q22.31.
Variant type: single nucleotide variant.
Coding change: c.1166T>A on transcript NM_004727.3 (MANE Select); coding-DNA position 1166, T replaced by A.
Protein change: p.Met389Lys; replaces methionine 389 with lysine.
Molecular consequence: missense variant.
Genome position (GRCh38, 1-based): chr15:65,625,246, T>A. VCF-style: chr15-65625246-T-A. GRCh37 (hg19) VCF-style: chr15-65917584-T-A.
Other names: c.1166T>A, p.Met389Lys (NM_001301031.1, NM_001301032.1, NM_001301033.2); short protein forms M389K.
Identifiers: ClinVar variation 941652 (VCV000941652.8), dbSNP rs368902751, ClinGen allele CA7619858.